The following is an entry in ClinVar:

NM_014780.5(CUL7):c.2363A>G (p.Lys788Arg)

Gene: CUL7 (cullin 7; minus strand). Cytogenetic location: 6p21.1.
Variant type: single nucleotide variant.
Coding change: c.2363A>G on transcript NM_014780.5 (MANE Select); coding-DNA position 2363, A replaced by G.
Protein change: p.Lys788Arg; replaces lysine 788 with arginine.
Molecular consequence: missense variant.
Genome position (GRCh38, 1-based): chr6:43,046,914, T>C on the plus strand (A>G on the coding strand, the complement: CUL7 is on the minus strand). VCF-style: chr6-43046914-T-C. GRCh37 (hg19) VCF-style: chr6-43014652-T-C.
Other names: c.2459A>G, p.Lys820Arg (NM_001168370.2, NM_001374872.1); c.2363A>G, p.Lys788Arg (NM_001374873.1, NM_001374874.1); short protein forms K788R, K820R.
Identifiers: ClinVar variation 1305984 (VCV001305984.27), dbSNP rs765040710, ClinGen allele CA3813914.

ClinVar aggregate classification (germline): Uncertain significance. Review status: criteria provided, multiple submitters, no conflicts (2 of 4 stars). 3 submissions from 3 submitters: Uncertain significance (3). Last evaluated 2025-01-22.

Conditions:
Inborn genetic diseases. Identifiers: MedGen C0950123, MeSH D030342.

Allele frequency attached by ClinVar (database versions not stated): gnomAD exomes below 0.00001; ExAC 0.00001.

Submissions (3):

Ambry Genetics
Classification: Uncertain significance for Inborn genetic diseases. Last evaluated: 2025-01-22. Review status: criteria provided, single submitter. Criteria: Ambry Variant Classification Scheme 2023. Collection method: clinical testing. Allele origin: germline.

CeGaT Center for Human Genetics Tuebingen
Classification: Uncertain significance. Last evaluated: 2023-03-01. Review status: criteria provided, single submitter. Criteria: CeGaT Center For Human Genetics Tuebingen Variant Classification Criteria Version 2. Collection method: clinical testing. Allele origin: germline. Affected: yes. Observed: 1 variant allele.
Comment: CUL7: PM2, BP4

GeneDx
Classification: Uncertain significance. Last evaluated: 2019-06-07. Review status: criteria provided, single submitter. Criteria: GeneDx Variant Classification Process June 2021. Collection method: clinical testing. Allele origin: germline. Affected: yes.
Comment: In silico analysis, which includes protein predictors and evolutionary conservation, supports that this variant does not alter protein structure/function; Has not been previously published as pathogenic or benign to our knowledge